The following is an entry in ClinVar:

NM_000702.4(ATP1A2):c.19C>T (p.Arg7Cys)

Gene: ATP1A2 (ATPase Na+/K+ transporting subunit alpha 2; plus strand). Cytogenetic location: 1q23.2.
Variant type: single nucleotide variant.
Coding change: c.19C>T on transcript NM_000702.4 (MANE Select); coding-DNA position 19, C replaced by T.
Protein change: p.Arg7Cys; replaces arginine 7 with cysteine.
Molecular consequence: missense variant.
Genome position (GRCh38, 1-based): chr1:160,120,912, C>T. VCF-style: chr1-160120912-C-T. GRCh37 (hg19) VCF-style: chr1-160090702-C-T.
Other names: short protein forms R7C.
Identifiers: ClinVar variation 588060 (VCV000588060.13), dbSNP rs761260548, ClinGen allele CA1194073.

ClinVar aggregate classification (germline): Uncertain significance. Review status: criteria provided, multiple submitters, no conflicts (2 of 4 stars). 2 submissions from 2 submitters: Uncertain significance (2). Last evaluated 2022-11-29.

Conditions:
Inborn genetic diseases. Identifiers: MedGen C0950123, MeSH D030342.
Familial hemiplegic migraine. Identifiers: MedGen C0338484, MONDO:0000700.

Allele frequency attached by ClinVar (database versions not stated): TOPMed below 0.00001; gnomAD 0.00001; gnomAD exomes 0.00001; ExAC 0.00002.

Submissions (2):

Labcorp Genetics (formerly Invitae), Labcorp
Classification: Uncertain significance for Familial hemiplegic migraine. Last evaluated: 2022-11-29. Review status: criteria provided, single submitter. Criteria: Invitae Variant Classification Sherloc (09022015). Collection method: clinical testing. Allele origin: germline.
Comment: This variant has not been reported in the literature in individuals affected with ATP1A2-related conditions. The frequency data for this variant in the population databases is considered unreliable, as metrics indicate poor data quality at this position in the gnomAD database. This sequence change replaces arginine, which is basic and polar, with cysteine, which is neutral and slightly polar, at codon 7 of the ATP1A2 protein (p.Arg7Cys). In summary, the available evidence is currently insufficient to determine the role of this variant in disease. Therefore, it has been classified as a Variant of Uncertain Significance. Advanced modeling of protein sequence and biophysical properties (such as structural, functional, and spatial information, amino acid conservation, physicochemical variation, residue mobility, and thermodynamic stability) has been performed at Invitae for this missense variant, however the output from this modeling did not meet the statistical confidence thresholds required to predict the impact of this variant on ATP1A2 protein function. ClinVar contains an entry for this variant (Variation ID: 588060).

Ambry Genetics
Classification: Uncertain significance for Inborn genetic diseases. Last evaluated: 2016-07-22. Review status: criteria provided, single submitter. Criteria: Ambry Variant Classification Scheme 2023. Collection method: clinical testing. Allele origin: germline.
Comment: The p.R7C variant (also known as c.19C>T), located in coding exon 2 of the ATP1A2 gene, results from a C to T substitution at nucleotide position 19. The arginine at codon 7 is replaced by cysteine, an amino acid with highly dissimilar properties. This variant was not reported in population based cohorts in the following databases: Database of Single Nucleotide Polymorphisms (dbSNP), NHLBI Exome Sequencing Project (ESP), and 1000 Genomes Project. In the ESP, this variant was not observed in 6478 samples (12956 alleles) with coverage at this position. This amino acid position is highly conserved in available vertebrate species. In addition, the in silico prediction for this alteration is inconclusive. Since supporting evidence is limited at this time, the clinical significance of this variant remains unclear.